The following is an entry in ClinVar:

NM_000095.3(COMP):c.2150T>C (p.Met717Thr)

Gene: COMP (cartilage oligomeric matrix protein; minus strand). Cytogenetic location: 19p13.11.
Variant type: single nucleotide variant.
Coding change: c.2150T>C on transcript NM_000095.3 (MANE Select); coding-DNA position 2150, T replaced by C.
Protein change: p.Met717Thr; replaces methionine 717 with threonine.
Molecular consequence: missense variant.
Genome position (GRCh38, 1-based): chr19:18,783,131, A>G on the plus strand (T>C on the coding strand, the complement: COMP is on the minus strand). VCF-style: chr19-18783131-A-G. GRCh37 (hg19) VCF-style: chr19-18893941-A-G.
Other names: short protein forms M717T.
Identifiers: ClinVar variation 3667673 (VCV003667673.2).
Genomic context (GRCh38, chr19:18,783,131, plus strand): 5'-AGGTTGGCCCAGATGATGTTCTCCTGGGAGAAGCAGAAGACCCCCAGGCGGCCACCCCGC[A>G]TGGTTGTGTCCAAGACCACGTTGCTGTCGGCCACCAGCTCAGGGCCCTCATAGAATCGCA-3'
Protein context (NP_000086.2, residues 707-727): ADSNVVLDTT[Met717Thr]RGGRLGVFCF

ClinVar aggregate classification (germline): Uncertain significance (1 of 4 stars; one submission).

Submission:

Labcorp Genetics (formerly Invitae), Labcorp
Classification: Uncertain significance. Last evaluated: 2024-06-08. Review status: criteria provided, single submitter. Criteria: Invitae Variant Classification Sherloc (09022015). Collection method: clinical testing. Allele origin: germline.
Comment: This sequence change replaces methionine, which is neutral and non-polar, with threonine, which is neutral and polar, at codon 717 of the COMP protein (p.Met717Thr). This variant is not present in population databases (gnomAD no frequency). This variant has not been reported in the literature in individuals affected with COMP-related conditions. Advanced modeling of protein sequence and biophysical properties (such as structural, functional, and spatial information, amino acid conservation, physicochemical variation, residue mobility, and thermodynamic stability) performed at Invitae indicates that this missense variant is not expected to disrupt COMP protein function with a negative predictive value of 80%. In summary, the available evidence is currently insufficient to determine the role of this variant in disease. Therefore, it has been classified as a Variant of Uncertain Significance.